The following is an entry in ClinVar:

ClinVar aggregate classification (germline): Likely pathogenic. Review status: criteria provided, multiple submitters, no conflicts (2 of 4 stars). 2 submissions from 2 submitters: Likely pathogenic (2). Last evaluated 2025-10-29.

Conditions:
Histiocytic medullary reticulosis. Also called: SEVERE COMBINED IMMUNODEFICIENCY WITH HYPEREOSINOPHILIA; Omenn syndrome. Identifiers: Orphanet 39041, MedGen C2700553, MONDO:0011338, OMIM 603554.
Severe combined immunodeficiency, autosomal recessive, T cell-negative, B cell-negative, NK cell-positive. Also called: SCID, T CELL-NEGATIVE, B CELL-NEGATIVE, NK CELL-POSITIVE; SCID, AR, T-cell negative, B-cell negative, NK cell-positive; Severe combined immunodeficiency due to complete RAG1/2 deficiency. Identifiers: Orphanet 331206, MedGen C1832322, MONDO:0011086, OMIM 601457.
Combined immunodeficiency with skin granulomas. Identifiers: Orphanet 157949, MedGen C2673536, MONDO:0009306, OMIM 233650.

gnomAD v4.1: 6 of 1,614,010 alleles (0.00037%); highest among the groups gnomAD compares: Non-Finnish European, 0.000085%; no homozygotes.

Submissions (2):

Natera, Inc.
Classification: Likely pathogenic for Omenn syndrome. Last evaluated: 2025-10-29. Review status: criteria provided, single submitter. Criteria: Natera Variant Classification Schema (03/2026). Collection method: clinical testing. Allele origin: germline.
Comment: The c.516G>A variant in RAG2 is a nonsense variant predicted to introduce a stop codon at amino acid 172. This variant is expected to result in nonsense mediated decay, truncation, or a dysfunctional protein product. This variant is rare in the general population with a frequency below the threshold expected for the associated phenotype(s). Given the available evidence, this variant is classified as Likely Pathogenic.

Fulgent Genetics
Classification: Likely pathogenic for Combined immunodeficiency with skin granulomas; Severe combined immunodeficiency, autosomal recessive, T cell-negative, B cell-negative, NK cell-positive; Histiocytic medullary reticulosis. Last evaluated: 2023-12-27. Review status: criteria provided, single submitter. Criteria: ACMG Guidelines, 2015. Collection method: clinical testing. Allele origin: germline.

NM_000536.4(RAG2):c.516G>A (p.Trp172Ter)

Gene: RAG2 (recombination activating 2; minus strand). Cytogenetic location: 11p12.
Variant type: single nucleotide variant.
Coding change: c.516G>A on transcript NM_000536.4 (MANE Select); coding-DNA position 516, G replaced by A.
Protein change: p.Trp172Ter; replaces tryptophan 172 with a stop codon.
Molecular consequence: nonsense.
Genome position (GRCh38, 1-based): chr11:36,593,653, C>T on the plus strand (G>A on the coding strand, the complement: RAG2 is on the minus strand). VCF-style: chr11-36593653-C-T. GRCh37 (hg19) VCF-style: chr11-36615203-C-T.
Other names: c.516G>A, p.Trp172Ter (NM_001243785.2, NM_001243786.2); c.516G>A (NM_000536.3); short protein forms W172*.
Identifiers: ClinVar variation 3599592 (VCV003599592.2).